The following is an entry in ClinVar:

NM_138690.3(GRIN3B):c.1730C>T (p.Thr577Met)

Gene: GRIN3B (glutamate ionotropic receptor NMDA type subunit 3B; plus strand). Cytogenetic location: 19p13.3.
Variant type: single nucleotide variant.
Coding change: c.1730C>T on transcript NM_138690.3 (MANE Select); coding-DNA position 1730, C replaced by T.
Protein change: p.Thr577Met; replaces threonine 577 with methionine.
Molecular consequence: missense variant.
Genome position (GRCh38, 1-based): chr19:1,005,231, C>T. VCF-style: chr19-1005231-C-T. GRCh37 (hg19) VCF-style: chr19-1005230-C-T.
Other names: short protein forms T577M.
Identifiers: ClinVar variation 1292493 (VCV001292493.3), dbSNP rs2240158, ClinGen allele CA9030520.

ClinVar aggregate classification (germline): Benign. Review status: criteria provided, multiple submitters, no conflicts (2 of 4 stars). 2 submissions from 2 submitters: Benign (2). Last evaluated 2018-12-21.

Allele frequency attached by ClinVar (database versions not stated): gnomAD exomes 0.38067 and 0.36491; TOPMed 0.39977; gnomAD 0.40680 and 0.41347; ESP Exome Variant Server 0.42688; 1000 Genomes Project 0.34545; 1000 Genomes Project 30x 0.35181; ExAC 0.36976.
gnomAD v4.1: 616,991 of 1,613,224 alleles (38%); highest among the groups gnomAD compares: African/African-American, 51%; 120,816 homozygotes.

Submissions (2):

GeneDx
Classification: Benign. Last evaluated: 2018-12-21. Review status: criteria provided, single submitter. Criteria: GeneDx Variant Classification Process June 2021. Collection method: clinical testing. Allele origin: germline. Affected: yes.
Comment: This variant is associated with the following publications: (PMID: 24814139)

Breakthrough Genomics
Classification: Benign. Review status: criteria provided, single submitter. Criteria: ACMG Guidelines, 2015. Collection method: not provided. Allele origin: germline. Inheritance: Unknown mechanism. Affected: yes.